The following is an entry in ClinVar:

ClinVar aggregate classification (germline): Conflicting classifications of pathogenicity. Review status: criteria provided, conflicting classifications (1 of 4 stars). 3 submissions from 3 submitters: Uncertain significance (2); Likely benign (1). Last evaluated 2025-05-07.

Conditions:
Lenz-Majewski hyperostosis syndrome (LMHD). Also called: PTDSS1-Related Lenz-Majewski Hyperostotic Dysplasia; Lenz-Majewski hyperostotic dysplasia; Multiple congenital anomalies, mental retardation and progressive skeletal sclerosis; Hyperostotic dwarfism Lenz-Majewski type; LENZ-MAJEWSKI SYNDROME. Identifiers: Orphanet 2658, MedGen C0432269, MONDO:0007892, OMIM 151050.
Inborn genetic diseases. Identifiers: MedGen C0950123, MeSH D030342.

Allele frequency attached by ClinVar (database versions not stated): TOPMed below 0.00001.
gnomAD v4.1: 1 of 1,614,004 alleles (0.000062%); no homozygotes.

Submissions (3):

GeneDx
Classification: Uncertain significance. Last evaluated: 2025-05-07. Review status: criteria provided, single submitter. Criteria: GeneDx Variant Classification Process June 2021. Collection method: clinical testing. Allele origin: germline. Affected: yes.
Comment: Not observed at significant frequency in large population cohorts (gnomAD); In silico analysis supports that this missense variant has a deleterious effect on protein structure/function; Has not been previously published as pathogenic or benign to our knowledge

Ambry Genetics
Classification: Uncertain significance for Inborn genetic diseases. Last evaluated: 2022-07-06. Review status: criteria provided, single submitter. Criteria: Ambry Variant Classification Scheme 2023. Collection method: clinical testing. Allele origin: germline.
Comment: The c.1060T>C (p.C354R) alteration is located in exon 9 (coding exon 9) of the PTDSS1 gene. This alteration results from a T to C substitution at nucleotide position 1060, causing the cysteine (C) at amino acid position 354 to be replaced by an arginine (R). This variant was not reported in population-based cohorts in the Genome Aggregation Database (gnomAD). This amino acid position is highly conserved in available vertebrate species. The in silico prediction for this alteration is inconclusive. Based on insufficient or conflicting evidence, the clinical significance of this alteration remains unclear.

Labcorp Genetics (formerly Invitae), Labcorp
Classification: Likely benign. Last evaluated: 2022-07-05. Review status: criteria provided, single submitter. Criteria: Invitae Variant Classification Sherloc (09022015). Collection method: clinical testing. Allele origin: germline.

NM_014754.3(PTDSS1):c.1060T>C (p.Cys354Arg)

Gene: PTDSS1 (phosphatidylserine synthase 1; plus strand). Cytogenetic location: 8q22.1.
Variant type: single nucleotide variant.
Coding change: c.1060T>C on transcript NM_014754.3 (MANE Select); coding-DNA position 1060, T replaced by C.
Protein change: p.Cys354Arg; replaces cysteine 354 with arginine.
Molecular consequence: missense variant.
Genome position (GRCh38, 1-based): chr8:96,309,609, T>C. VCF-style: chr8-96309609-T-C. GRCh37 (hg19) VCF-style: chr8-97321837-T-C.
Other names: c.622T>C, p.Cys208Arg (NM_001290225.2); c.1060T>C (NM_014754.1, NM_014754.2); short protein forms C208R, C354R.
Identifiers: ClinVar variation 1446109 (VCV001446109.9), dbSNP rs1811177590, ClinGen allele CA371757244.